The following is an entry in ClinVar:

NM_020433.5(JPH2):c.580G>T (p.Ala194Ser)

Gene: JPH2 (junctophilin 2; minus strand). Cytogenetic location: 20q13.12.
Variant type: single nucleotide variant.
Coding change: c.580G>T on transcript NM_020433.5 (MANE Select); coding-DNA position 580, G replaced by T.
Protein change: p.Ala194Ser; replaces alanine 194 with serine.
Molecular consequence: missense variant.
Genome position (GRCh38, 1-based): chr20:44,160,207, C>A on the plus strand (G>T on the coding strand, the complement: JPH2 is on the minus strand). VCF-style: chr20-44160207-C-A. GRCh37 (hg19) VCF-style: chr20-42788847-C-A.
Other names: short protein forms A194S.
Identifiers: ClinVar variation 1061405 (VCV001061405.13), dbSNP rs914203878, ClinGen allele CA314629704.
Genomic context (GRCh38, chr20:44,160,207, plus strand): 5'-CCCGCGCGGCCGCCTCGGCATTGGCCAGGAGGCTGAGCGCGAAGCCGCCACGCGGGATGG[C>A]GGGCGAGGGCAGCGCGGGGCCGTCGGAGGCCGGCGAGGCGGGAGAGTCCGGGGCCACCGT-3'
Protein context (NP_065166.2, residues 184-204): ASDGPALPSP[Ala194Ser]IPRGGFALSL

ClinVar aggregate classification (germline): Conflicting classifications of pathogenicity. Review status: criteria provided, conflicting classifications (1 of 4 stars). 2 submissions from 2 submitters: Uncertain significance (1); Likely benign (1). Last evaluated 2026-06-29.

Conditions:
Cardiovascular phenotype. Identifiers: MedGen CN230736.
Hypertrophic cardiomyopathy. Also called: HYPERTROPHIC MYOCARDIOPATHY. Identifiers: Orphanet 217569, MedGen C0007194, MeSH D002312, MONDO:0005045, HP:0001639.

Allele frequency attached by ClinVar (database versions not stated): TOPMed 0.00001.
gnomAD v4.1: 1 of 1,408,378 alleles (0.000071%); highest among the groups gnomAD compares: Admixed American, 0.0033%; no homozygotes.

Submissions (2):

Ambry Genetics
Classification: Likely benign for Cardiovascular phenotype. Last evaluated: 2026-06-29. Review status: criteria provided, single submitter. Criteria: Ambry Variant Classification Scheme 2023. Collection method: clinical testing. Allele origin: germline.

Labcorp Genetics (formerly Invitae), Labcorp
Classification: Uncertain significance for Hypertrophic cardiomyopathy. Last evaluated: 2020-08-14. Review status: criteria provided, single submitter. Criteria: Invitae Variant Classification Sherloc (09022015). Collection method: clinical testing. Allele origin: germline.
Comment: This sequence change replaces alanine with serine at codon 194 of the JPH2 protein (p.Ala194Ser). The alanine residue is weakly conserved and there is a moderate physicochemical difference between alanine and serine. The frequency data for this variant in the population databases is considered unreliable, as metrics indicate insufficient coverage at this position in the ExAC database. This variant has not been reported in the literature in individuals with JPH2-related conditions. Algorithms developed to predict the effect of missense changes on protein structure and function (SIFT, PolyPhen-2, Align-GVGD) all suggest that this variant is likely to be tolerated, but these predictions have not been confirmed by published functional studies and their clinical significance is uncertain. In summary, the available evidence is currently insufficient to determine the role of this variant in disease. Therefore, it has been classified as a Variant of Uncertain Significance.